The following is an entry in ClinVar:

ClinVar aggregate classification (germline): Likely pathogenic (1 of 4 stars; one submission).

Submission:

Mayo Clinic Laboratories, Mayo Clinic
Classification: Likely pathogenic. Last evaluated: 2023-12-05. Review status: criteria provided, single submitter. Criteria: ACMG Guidelines, 2015. Collection method: clinical testing. Allele origin: germline. Observed: 1 variant allele.
Comment: PM2, PVS1

NM_000064.4(C3):c.417C>G (p.Tyr139Ter)

Gene: C3 (complement C3; minus strand). Cytogenetic location: 19p13.3.
Variant type: single nucleotide variant.
Coding change: c.417C>G on transcript NM_000064.4 (MANE Select); coding-DNA position 417, C replaced by G.
Protein change: p.Tyr139Ter; replaces tyrosine 139 with a stop codon.
Molecular consequence: nonsense.
Genome position (GRCh38, 1-based): chr19:6,718,263, G>C on the plus strand (C>G on the coding strand, the complement: C3 is on the minus strand). VCF-style: chr19-6718263-G-C. GRCh37 (hg19) VCF-style: chr19-6718274-G-C.
Other names: p.Tyr139*; short protein forms Y139*.
Identifiers: ClinVar variation 3380909 (VCV003380909.1).